The following is an entry in ClinVar:

ClinVar aggregate classification (germline): Uncertain significance. Review status: criteria provided, multiple submitters, no conflicts (2 of 4 stars). 2 submissions from 2 submitters: Uncertain significance (2). Last evaluated 2024-03-06.

Conditions:
Familial hypercholesterolemia. Also called: Familial hypercholesterolemias; Familial hypercholesterolaemia. Identifiers: MedGen C0020445, MONDO:0005439.
Hypercholesterolemia, autosomal dominant, 3 (FHCL3). Also called: Familial hypercholesterolemia 3; Familial Hypercholesterolemia, Autosomal Dominant, 3; PCSK9-Related Familial Hypercholesterolemia, Autosomal Dominant. Identifiers: MedGen C1863551, MONDO:0011369, OMIM 603776.

Allele frequency attached by ClinVar (database versions not stated): gnomAD exomes below 0.00001.

Submissions (2):

Color Diagnostics, LLC DBA Color Health
Classification: Uncertain significance for Familial hypercholesterolemia. Last evaluated: 2024-03-06. Review status: criteria provided, single submitter. Criteria: ACMG Guidelines, 2015. Collection method: clinical testing. Allele origin: germline.
Comment: This missense variant replaces valine with methionine at codon 310 of the PCSK9 protein. Computational prediction tool is inconclusive regarding the impact of this variant on protein structure and function (internally defined REVEL score threshold 0.5 < inconclusive < 0.7, PMID: 27666373). Splice site prediction tools suggest that this variant may not impact RNA splicing. To our knowledge, functional studies have not been performed for this variant. This variant has not been reported in individuals affected with familial hypercholesterolemia in the literature. This variant has been identified in 1/214518 chromosomes in the general population by the Genome Aggregation Database (gnomAD). The available evidence is insufficient to determine the role of this variant in disease conclusively. Therefore, this variant is classified as a Variant of Uncertain Significance.

All of Us Research Program, National Institutes of Health
Classification: Uncertain significance for Hypercholesterolemia, autosomal dominant, 3. Last evaluated: 2024-03-05. Review status: criteria provided, single submitter. Criteria: ACMG Guidelines, 2015. Collection method: clinical testing. Allele origin: germline. Inheritance: Autosomal dominant inheritance. Observed: 1 variant allele, 1 heterozygote.
Comment: This missense variant replaces valine with methionine at codon 310 of the PCSK9 protein. Computational prediction tool is inconclusive regarding the impact of this variant on protein structure and function (internally defined REVEL score threshold 0.5 < inconclusive < 0.7, PMID: 27666373). Splice site prediction tools suggest that this variant may not impact RNA splicing. To our knowledge, functional studies have not been performed for this variant. This variant has not been reported in individuals affected with familial hypercholesterolemia in the literature. This variant has been identified in 1/214518 chromosomes in the general population by the Genome Aggregation Database (gnomAD). The available evidence is insufficient to determine the role of this variant in disease conclusively. Therefore, this variant is classified as a Variant of Uncertain Significance.

This study involves interpretation of variants in research participants for the purpose of population health screening. Participant phenotype was not available at the time of variant classification. Additional details can be found in publication PMID: 35346344, PMCID: PMC8962531

NM_174936.4(PCSK9):c.928G>A (p.Val310Met)

Gene: PCSK9 (proprotein convertase subtilisin/kexin type 9; plus strand). Cytogenetic location: 1p32.3.
Variant type: single nucleotide variant.
Coding change: c.928G>A on transcript NM_174936.4 (MANE Select); coding-DNA position 928, G replaced by A.
Protein change: p.Val310Met; replaces valine 310 with methionine.
Molecular consequence: missense variant.
Genome position (GRCh38, 1-based): chr1:55,056,121, G>A. VCF-style: chr1-55056121-G-A. GRCh37 (hg19) VCF-style: chr1-55521794-G-A.
Other names: c.553G>A, p.Val185Met (NM_001407246.1); c.928G>A, p.Val310Met (NM_001407247.1, NM_001407241.1, NM_001407244.1); c.1051G>A, p.Val351Met (NM_001407240.1); c.931G>A, p.Val311Met (NM_001407242.1); c.871G>A, p.Val291Met (NM_001407243.1); c.736G>A, p.Val246Met (NM_001407245.1); short protein forms V310M, V246M, V291M, V351M, V185M, V311M.
Identifiers: ClinVar variation 920642 (VCV000920642.6), dbSNP rs1200999906, ClinGen allele CA340474930.